The following is an entry in ClinVar:

ClinVar aggregate classification (germline): Conflicting classifications of pathogenicity. Review status: criteria provided, conflicting classifications (1 of 4 stars). 5 submissions from 5 submitters: Uncertain significance (3); Likely benign (2). Last evaluated 2026-09-01.

Conditions:
Cardiovascular phenotype. Identifiers: MedGen CN230736.
Noonan syndrome 9 (NS9). Identifiers: Orphanet 648, MedGen C4225282, MONDO:0014691, OMIM 616559.

Allele frequency attached by ClinVar (database versions not stated): gnomAD 0.00001; TOPMed 0.00001.
gnomAD v4.1: 6 of 1,613,936 alleles (0.00037%); highest among the groups gnomAD compares: Admixed American, 0.0017%; no homozygotes.

Submissions (5):

CeGaT Center for Human Genetics Tuebingen
Classification: Likely benign. Last evaluated: 2026-09-01. Review status: criteria provided, single submitter. Criteria: CeGaT Center For Human Genetics Tuebingen Variant Classification Criteria Version 2. Collection method: clinical testing. Allele origin: germline. Affected: yes. Observed: 1 variant allele.
Comment: SOS2: BP4

Ambry Genetics
Classification: Uncertain significance for Cardiovascular phenotype. Last evaluated: 2025-11-24. Review status: criteria provided, single submitter. Criteria: Ambry Variant Classification Scheme 2023. Collection method: clinical testing. Allele origin: germline.
Comment: The p.E503V variant (also known as c.1508A>T), located in coding exon 10 of the SOS2 gene, results from an A to T substitution at nucleotide position 1508. The glutamic acid at codon 503 is replaced by valine, an amino acid with dissimilar properties. This amino acid position is conserved. In addition, the in silico prediction for this alteration is inconclusive. Based on the available evidence, the clinical significance of this variant remains unclear.

GeneDx
Classification: Uncertain significance. Last evaluated: 2025-03-27. Review status: criteria provided, single submitter. Criteria: GeneDx Variant Classification Process June 2021. Collection method: clinical testing. Allele origin: germline. Affected: yes.
Comment: In silico analysis supports that this missense variant has a deleterious effect on protein structure/function; Has not been previously published as pathogenic or benign to our knowledge

Women's Health and Genetics/Laboratory Corporation of America, LabCorp
Classification: Uncertain significance. Last evaluated: 2024-08-11. Review status: criteria provided, single submitter. Criteria: LabCorp Variant Classification Summary - May 2015. Collection method: clinical testing. Allele origin: germline.

Labcorp Genetics (formerly Invitae), Labcorp
Classification: Likely benign for Noonan syndrome 9. Last evaluated: 2022-07-06. Review status: criteria provided, single submitter. Criteria: Invitae Variant Classification Sherloc (09022015). Collection method: clinical testing. Allele origin: germline.

NM_006939.4(SOS2):c.1508A>T (p.Glu503Val)

Gene: SOS2 (SOS Ras/Rho guanine nucleotide exchange factor 2; minus strand). Cytogenetic location: 14q21.3.
Variant type: single nucleotide variant.
Coding change: c.1508A>T on transcript NM_006939.4 (MANE Select); coding-DNA position 1508, A replaced by T.
Protein change: p.Glu503Val; replaces glutamic acid 503 with valine.
Molecular consequence: missense variant.
Genome position (GRCh38, 1-based): chr14:50,159,775, T>A on the plus strand (A>T on the coding strand, the complement: SOS2 is on the minus strand). VCF-style: chr14-50159775-T-A. GRCh37 (hg19) VCF-style: chr14-50626493-T-A.
Other names: c.1409A>T, p.Glu470Val (NM_001411020.1); c.1508A>T (NM_006939.2); short protein forms E503V, E470V.
Identifiers: ClinVar variation 2139005 (VCV002139005.9), dbSNP rs763932554, ClinGen allele CA7177273.